The following is an entry in ClinVar:

ClinVar aggregate classification (germline): Uncertain significance (1 of 4 stars; one submission).

Conditions:
Inborn genetic diseases. Identifiers: MedGen C0950123, MeSH D030342.

Submission:

Ambry Genetics
Classification: Uncertain significance for Inborn genetic diseases. Last evaluated: 2026-02-19. Review status: criteria provided, single submitter. Criteria: Ambry Variant Classification Scheme 2023. Collection method: clinical testing. Allele origin: germline.
Comment: The c.3092T>C (p.F1031S) alteration is located in exon 18 (coding exon 18) of the ATP2B1 gene. This alteration results from a T to C substitution at nucleotide position 3092, causing the phenylalanine (F) at amino acid position 1031 to be replaced by a serine (S). This variant was not reported in population-based cohorts in the Genome Aggregation Database (gnomAD). This amino acid position is highly conserved in available vertebrate species. This missense variant is located in a region that has a low rate of benign missense variation (Lek, 2016; Firth, 2009). This alteration is predicted to be deleterious by in silico analysis. Based on insufficient or conflicting evidence, the clinical significance of this alteration remains unclear.

NM_001366521.1(ATP2B1):c.3092T>C (p.Phe1031Ser)

Gene: ATP2B1 (ATPase plasma membrane Ca2+ transporting 1; minus strand). Cytogenetic location: 12q21.33.
Variant type: single nucleotide variant.
Coding change: c.3092T>C on transcript NM_001366521.1 (MANE Select); coding-DNA position 3092, T replaced by C.
Protein change: p.Phe1031Ser; replaces phenylalanine 1031 with serine.
Molecular consequence: missense variant. On other transcripts: non-coding transcript variant (2), intron variant (5).
Genome position (GRCh38, 1-based): chr12:89,601,402, A>G on the plus strand (T>C on the coding strand, the complement: ATP2B1 is on the minus strand). VCF-style: chr12-89601402-A-G. GRCh37 (hg19) VCF-style: chr12-89995179-A-G.
Other names: c.3092T>C, p.Phe1031Ser (NM_001366524.1, NM_001366525.1, NM_001366526.1 and 8 more transcripts); c.2894T>C, p.Phe965Ser (NM_001366530.1, NM_001413053.1); c.2531T>C, p.Phe844Ser (NM_001366531.1, NM_001366532.1, NM_001413058.1 and 2 more transcripts); c.3060+1641T>C (NM_001413050.1, NM_001366529.1, NM_001366528.1 and 1 more transcripts); c.2919+1641T>C (NM_001413055.1); c.3053T>C, p.Phe1018Ser (NM_001413048.1); c.2951T>C, p.Phe984Ser (NM_001413051.1, NM_001413052.1); c.2849T>C, p.Phe950Ser (NM_001413054.1); and 2 more; short protein forms F950S, F946S, F844S, F880S, F984S, F1018S, F1031S, F965S.
Identifiers: ClinVar variation 4839916 (VCV004839916.1).